The following is an entry in ClinVar:

ClinVar aggregate classification (germline): Likely pathogenic (1 of 4 stars; one submission).

Submission:

GeneDx
Classification: Likely pathogenic. Last evaluated: 2018-09-07. Review status: criteria provided, single submitter. Criteria: GeneDx Variant Classification (06012015). Collection method: clinical testing. Allele origin: germline. Affected: yes.
Comment: Although the c.763_764ins53 pathogenic variant in the SMAD3 gene has not been reported to our knowledge, this variant causes a shift in reading frame starting at codon methionine 255, changing it to a threonine, and creating a premature stop codon at position 19 of the new reading frame, denoted p.Met255ThrfsX19. This pathogenic variant is expected to result in either an abnormal, truncated protein product or loss of protein from this allele through nonsense-mediated mRNA decay. Other frameshift variants in the SMAD3 gene have been reported in Human Gene Mutation Database in association with SMAD3-related disorders (Stenson et al., 2014), indicating that loss of function is a mechanism of disease for this gene. Furthermore, the c.763_764ins53 variant has not been observed in large population cohorts (Lek et al., 2016). In summary, c.763_764ins53 in the SMAD3 gene is interpreted as a pathogenic variant.

NM_005902.4(SMAD3):c.763_764insCAGTCATGGATGGCTGCGAGGCGTGGAATGTCTCCCCGACGCGCAGCCATCCA (p.Met255fs)

Gene: SMAD3 (SMAD family member 3; plus strand). Cytogenetic location: 15q22.33.
Variant type: Insertion.
Coding change: c.763_764insCAGTCATGGATGGCTGCGAGGCGTGGAATGTCTCCCCGACGCGCAGCCATCCA on transcript NM_005902.4 (MANE Select); coding-DNA positions 763 to 764, CAGTCATGGATGGCTGCGAGGCGTGGAATGTCTCCCCGACGCGCAGCCATCCA inserted.
Protein change: p.Met255fs; shifts the reading frame from methionine 255.
Molecular consequence: frameshift variant.
Genome position: GRCh38: chr15:67,181,345-67,181,346. GRCh37 (hg19): chr15:67,473,683-67,473,684.
Other names: c.448_449insCAGTCATGGATGGCTGCGAGGCGTGGAATGTCTCCCCGACGCGCAGCCATCCA, p.Met150fs (NM_001145102.2); c.631_632insCAGTCATGGATGGCTGCGAGGCGTGGAATGTCTCCCCGACGCGCAGCCATCCA, p.Met211fs (NM_001145103.2); c.178_179insCAGTCATGGATGGCTGCGAGGCGTGGAATGTCTCCCCGACGCGCAGCCATCCA, p.Met60fs (NM_001145104.2); short protein forms M150fs, M211fs, M255fs, M60fs.
Identifiers: ClinVar variation 817815 (VCV000817815.1), dbSNP rs1595956573, ClinGen allele CA915946043.